The following is an entry in ClinVar:

NM_000390.4(CHM):c.1252G>A (p.Ala418Thr)

Gene: CHM (CHM Rab escort protein; minus strand). Cytogenetic location: Xq21.2.
Variant type: single nucleotide variant.
Coding change: c.1252G>A on transcript NM_000390.4 (MANE Select); coding-DNA position 1252, G replaced by A.
Protein change: p.Ala418Thr; replaces alanine 418 with threonine.
Molecular consequence: missense variant.
Genome position (GRCh38, 1-based): chrX:85,901,181, C>T on the plus strand (G>A on the coding strand, the complement: CHM is on the minus strand). VCF-style: chrX-85901181-C-T. GRCh37 (hg19) VCF-style: chrX-85156186-C-T.
Other names: c.808G>A, p.Ala270Thr (NM_001320959.1, NM_001362517.1, NM_001362518.2 and 1 more transcripts); short protein forms A270T, A418T.
Identifiers: ClinVar variation 1345159 (VCV001345159.6), dbSNP rs1926266146, ClinGen allele CA413789955.
Genomic context (GRCh38, chrX:85,901,181, plus strand): 5'-AACTGTCCTCCACGAGGAAATGCTCAGAGATTATTCTCTGACCAAACTGATCTATAATTG[C>T]TTTACATCTATAAAGAAGATAAGCATACCATAAAAGTTCATATTAATGATTAAATAATTG-3'
Protein context (NP_000381.1, residues 408-428): VVDKESRKCK[Ala418Thr]IIDQFGQRII

ClinVar aggregate classification (germline): Uncertain significance (1 of 4 stars; one submission).

Allele frequency attached by ClinVar (database versions not stated): TOPMed below 0.00001.

Submission:

Labcorp Genetics (formerly Invitae), Labcorp
Classification: Uncertain significance. Last evaluated: 2022-11-10. Review status: criteria provided, single submitter. Criteria: Invitae Variant Classification Sherloc (09022015). Collection method: clinical testing. Allele origin: germline.
Comment: This variant has not been reported in the literature in individuals affected with CHM-related conditions. This variant is not present in population databases (gnomAD no frequency). This sequence change replaces alanine, which is neutral and non-polar, with threonine, which is neutral and polar, at codon 418 of the CHM protein (p.Ala418Thr). ClinVar contains an entry for this variant (Variation ID: 1345159). Advanced modeling of protein sequence and biophysical properties (such as structural, functional, and spatial information, amino acid conservation, physicochemical variation, residue mobility, and thermodynamic stability) performed at Invitae indicates that this missense variant is expected to disrupt CHM protein function. In summary, the available evidence is currently insufficient to determine the role of this variant in disease. Therefore, it has been classified as a Variant of Uncertain Significance.